The following is an entry in ClinVar:

ClinVar aggregate classification (germline): Uncertain significance (1 of 4 stars; one submission).

Submission:

GeneDx
Classification: Uncertain significance. Last evaluated: 2022-12-07. Review status: criteria provided, single submitter. Criteria: GeneDx Variant Classification Process June 2021. Collection method: clinical testing. Allele origin: germline. Affected: yes.
Comment: Not observed at significant frequency in large population cohorts (gnomAD); In silico analysis supports that this missense variant does not alter protein structure/function; Has not been previously published as pathogenic or benign to our knowledge

NM_001297595.2(SIN3B):c.1412C>G (p.Ala471Gly)

Gene: SIN3B (SIN3 transcription regulator family member B; plus strand). Cytogenetic location: 19p13.11.
Variant type: single nucleotide variant.
Coding change: c.1412C>G on transcript NM_001297595.2 (MANE Select); coding-DNA position 1412, C replaced by G.
Protein change: p.Ala471Gly; replaces alanine 471 with glycine.
Molecular consequence: missense variant.
Genome position (GRCh38, 1-based): chr19:16,865,438, C>G. VCF-style: chr19-16865438-C-G. GRCh37 (hg19) VCF-style: chr19-16976249-C-G.
Other names: c.182C>G, p.Ala61Gly (NM_001297597.2); c.1508C>G, p.Ala503Gly (NM_015260.4); short protein forms A471G, A503G, A61G.
Identifiers: ClinVar variation 2504803 (VCV002504803.1), dbSNP rs2513062519, ClinGen allele CA404641484.